The following is an entry in ClinVar:

ClinVar aggregate classification (germline): Uncertain significance (1 of 4 stars; one submission).

Conditions:
Inborn genetic diseases. Identifiers: MedGen C0950123, MeSH D030342.

gnomAD v4.1: 2 of 1,598,246 alleles (0.00013%); highest among the groups gnomAD compares: East Asian, 0.0045%; no homozygotes.

Submission:

Ambry Genetics
Classification: Uncertain significance for Inborn genetic diseases. Last evaluated: 2026-02-23. Review status: criteria provided, single submitter. Criteria: Ambry Variant Classification Scheme 2023. Collection method: clinical testing. Allele origin: germline.
Comment: The c.1367A>G (p.D456G) alteration is located in exon 11 (coding exon 11) of the DBT gene. This alteration results from a A to G substitution at nucleotide position 1367, causing the aspartic acid (D) at amino acid position 456 to be replaced by a glycine (G). Based on data from gnomAD, the G allele has an overall frequency of <0.001% (1/251170) total alleles studied. The highest observed frequency was 0.005% (1/18394) of East Asian alleles. Based on insufficient or conflicting evidence, the clinical significance of this alteration remains unclear.

NM_001918.5(DBT):c.1367A>G (p.Asp456Gly)

Gene: DBT (dihydrolipoamide branched chain transacylase E2; minus strand). Cytogenetic location: 1p21.2.
Variant type: single nucleotide variant.
Coding change: c.1367A>G on transcript NM_001918.5 (MANE Select); coding-DNA position 1367, A replaced by G.
Protein change: p.Asp456Gly; replaces aspartic acid 456 with glycine.
Molecular consequence: missense variant. On other transcripts: non-coding transcript variant (4).
Genome position (GRCh38, 1-based): chr1:100,196,337, T>C on the plus strand (A>G on the coding strand, the complement: DBT is on the minus strand). VCF-style: chr1-100196337-T-C. GRCh37 (hg19) VCF-style: chr1-100661893-T-C.
Other names: c.824A>G, p.Asp275Gly (NM_001399969.1, NM_001399972.1); short protein forms D456G, D275G.
Identifiers: ClinVar variation 4829065 (VCV004829065.1).